The following is an entry in ClinVar:

ClinVar aggregate classification (germline): Pathogenic/Likely pathogenic. Review status: criteria provided, multiple submitters, no conflicts (2 of 4 stars). 9 submissions from 8 submitters: Pathogenic (2); Likely pathogenic (5). 2 of the submissions do not count toward it. Last evaluated 2025-09-12.

Conditions:
Autosomal recessive nonsyndromic hearing loss 4 (DFNB4). Also called: NEUROSENSORY NONSYNDROMIC RECESSIVE DEAFNESS 4; Enlarged vestibular aqueduct, digenic; DEAFNESS, AUTOSOMAL RECESSIVE 4, WITH ENLARGED VESTIBULAR AQUEDUCT, DIGENIC; FOXI1-Related Pendred Syndrome; KCNJ10-Related Pendred Syndrome; Nonsyndromic enlarged vestibular aqueduct (NSEVA). Identifiers: Orphanet 90636, MedGen C3538946, MONDO:0010933, OMIM 600791.
Pendred syndrome (PDS). Also called: DEAFNESS WITH GOITER; GOITER-DEAFNESS SYNDROME; HYPOTHYROIDISM, CONGENITAL, DUE TO DYSHORMONOGENESIS, 2B; Pendred Syndrome (PDS); THYROID DYSHORMONOGENESIS 2B; THYROID HORMONOGENESIS, GENETIC DEFECT IN, 2B. Identifiers: Orphanet 705, MedGen C0271829, MONDO:0010134, OMIM 274600.

Allele frequency attached by ClinVar (database versions not stated): ExAC 0.00002; gnomAD exomes 0.00002.

Submissions (9):

Natera, Inc.
Classification: Likely pathogenic for Pendred syndrome. Last evaluated: 2025-09-12. Review status: criteria provided, single submitter. Criteria: Natera Variant Classification Schema (03/2026). Collection method: clinical testing. Allele origin: germline.
Comment: The c.1667A>G variant in SLC26A4 is a missense variant predicted to cause substitution of tyrosine to cysteine at amino acid 556. This variant is rare in the general population with a frequency below the threshold expected for the associated phenotype(s). This variant has been observed in one or more individuals affected with the associated recessive disease, as either homozygous or compound heterozygous with a second variant (PMID: 34170635, 28281779, 24105851, 11932316). Computational prediction algorithms indicate this variant is likely to affect gene or protein function. Given the available evidence, this variant is classified as Likely Pathogenic.

Labcorp Genetics (formerly Invitae), Labcorp
Classification: Pathogenic. Last evaluated: 2023-12-13. Review status: criteria provided, single submitter. Criteria: Invitae Variant Classification Sherloc (09022015). Collection method: clinical testing. Allele origin: germline.
Comment: This sequence change replaces tyrosine, which is neutral and polar, with cysteine, which is neutral and slightly polar, at codon 556 of the SLC26A4 protein (p.Tyr556Cys). This variant is present in population databases (rs763006761, gnomAD 0.01%). This missense change has been observed in individuals with autosomal recessive deafness and/or Pendred syndrome (PMID: 9618167, 27573290, 28281779). ClinVar contains an entry for this variant (Variation ID: 446456). Advanced modeling of protein sequence and biophysical properties (such as structural, functional, and spatial information, amino acid conservation, physicochemical variation, residue mobility, and thermodynamic stability) performed at Invitae indicates that this missense variant is expected to disrupt SLC26A4 protein function with a positive predictive value of 95%. Experimental studies have shown that this missense change affects SLC26A4 function (PMID: 11932316, 31599023). For these reasons, this variant has been classified as Pathogenic.

Baylor Genetics
Classification: Likely pathogenic for Autosomal recessive nonsyndromic hearing loss 4. Last evaluated: 2023-08-01. Review status: criteria provided, single submitter. Criteria: ACMG Guidelines, 2015. Collection method: clinical testing. Allele origin: unknown.

Genome-Nilou Lab
Classification: Likely pathogenic for Autosomal recessive nonsyndromic hearing loss 4. Last evaluated: 2021-09-05. Review status: criteria provided, single submitter. Criteria: ACMG Guidelines, 2015. Collection method: clinical testing. Allele origin: germline. Affected: no.

Genome-Nilou Lab
Classification: Likely pathogenic for Pendred syndrome. Last evaluated: 2021-09-05. Review status: criteria provided, single submitter. Criteria: ACMG Guidelines, 2015. Collection method: clinical testing. Allele origin: germline. Affected: no.

Dubai Health Genomic Medicine Center, Dubai Health
Classification: Likely pathogenic. Last evaluated: 2019-12-26. Review status: criteria provided, single submitter. Criteria: ACMG Guidelines, 2015. Collection method: clinical testing. Allele origin: germline. Affected: yes.

Division of Hearing and Balance Research, National Hospital Organization Tokyo Medical Center
Classification: Pathogenic for Autosomal recessive nonsyndromic hearing loss 4. Last evaluated: 2017-07-01. Review status: criteria provided, single submitter. Criteria: Submitter's publication. Collection method: clinical testing. Allele origin: germline. Affected: yes. Observed: 1 variant allele.

National Institute of Sensory Organs, National Hospital Organization Tokyo Medical Center
Classification: Affects for Autosomal recessive nonsyndromic hearing loss 4. Last evaluated: 2019-08-20. Review status: no assertion criteria provided. Collection method: clinical testing, in vitro. Allele origin: germline. Inheritance: Autosomal recessive inheritance. Affected: yes. Functional consequence: loss_of_function_variant. Not counted in ClinVar's aggregate classification.
Comment: in vitro experiment

Counsyl
Classification: Likely pathogenic for Pendred syndrome. Last evaluated: 2017-11-21. Review status: no assertion criteria provided. Collection method: clinical testing. Allele origin: unknown. Not counted in ClinVar's aggregate classification.

Literature cited by the submitters: PubMed 34170635 (cited by Natera, Inc.); PubMed 28281779 (cited by Natera, Inc. and Labcorp Genetics (formerly Invitae), Labcorp); PubMed 24105851 (cited by Natera, Inc. and Counsyl); PubMed 11932316 (cited by 4 submitters); PubMed 9618167 (cited by 3 submitters); PubMed 27573290 (cited by Labcorp Genetics (formerly Invitae), Labcorp and Counsyl); PubMed 31599023 (cited by Labcorp Genetics (formerly Invitae), Labcorp and National Institute of Sensory Organs, National Hospital Organization Tokyo Medical Center); PubMed 23185506 (cited by Counsyl); PubMed 23980138 (cited by Counsyl); PubMed 19287372 (cited by Counsyl).

NM_000441.2(SLC26A4):c.1667A>G (p.Tyr556Cys)

Gene: SLC26A4 (solute carrier family 26 member 4; plus strand). Cytogenetic location: 7q22.3.
Variant type: single nucleotide variant.
Coding change: c.1667A>G on transcript NM_000441.2 (MANE Select); coding-DNA position 1667, A replaced by G.
Protein change: p.Tyr556Cys; replaces tyrosine 556 with cysteine.
Molecular consequence: missense variant.
Genome position (GRCh38, 1-based): chr7:107,700,135, A>G. VCF-style: chr7-107700135-A-G. GRCh37 (hg19) VCF-style: chr7-107340580-A-G.
Other names: short protein forms Y556C.
Identifiers: ClinVar variation 446456 (VCV000446456.19), dbSNP rs763006761, ClinGen allele CA4432905.